The following is an entry in ClinVar:

NM_000440.3(PDE6A):c.871G>A (p.Val291Met)

Gene: PDE6A (phosphodiesterase 6A; minus strand). Cytogenetic location: 5q32.
Variant type: single nucleotide variant.
Coding change: c.871G>A on transcript NM_000440.3 (MANE Select); coding-DNA position 871, G replaced by A.
Protein change: p.Val291Met; replaces valine 291 with methionine.
Molecular consequence: missense variant.
Genome position (GRCh38, 1-based): chr5:149,921,697, C>T on the plus strand (G>A on the coding strand, the complement: PDE6A is on the minus strand). VCF-style: chr5-149921697-C-T. GRCh37 (hg19) VCF-style: chr5-149301260-C-T.
Other names: c.628G>A, p.Val210Met (NM_001410788.1); short protein forms V210M, V291M.
Identifiers: ClinVar variation 2001833 (VCV002001833.4), dbSNP rs750168514, ClinGen allele CA3504907.
Genomic context (GRCh38, chr5:149,921,697, plus strand): 5'-TTCCATCCGGAGTCCTGGGACCAGAGTAAGGTGGAACTTCACCCATCAGAACCGGCCACA[C>T]ATCAAAAAATTCCTAGGAATGAGAAAAACAATAATTACATGTTTTGAAAAGAGATCAAGG-3'
Protein context (NP_000431.2, residues 281-301): DMTKQKEFFD[Val291Met]WPVLMGEVPP

ClinVar aggregate classification (germline): Uncertain significance (1 of 4 stars; one submission).

Allele frequency attached by ClinVar (database versions not stated): ExAC 0.00002.
gnomAD v4.1: 15 of 1,613,574 alleles (0.00093%); highest among the groups gnomAD compares: South Asian, 0.0077%; no homozygotes.

Submission:

Labcorp Genetics (formerly Invitae), Labcorp
Classification: Uncertain significance. Last evaluated: 2022-06-19. Review status: criteria provided, single submitter. Criteria: Invitae Variant Classification Sherloc (09022015). Collection method: clinical testing. Allele origin: germline.
Comment: This sequence change replaces valine, which is neutral and non-polar, with methionine, which is neutral and non-polar, at codon 291 of the PDE6A protein (p.Val291Met). This variant is present in population databases (rs750168514, gnomAD 0.02%). This variant has not been reported in the literature in individuals affected with PDE6A-related conditions. Algorithms developed to predict the effect of missense changes on protein structure and function (SIFT, PolyPhen-2, Align-GVGD) all suggest that this variant is likely to be tolerated. In summary, the available evidence is currently insufficient to determine the role of this variant in disease. Therefore, it has been classified as a Variant of Uncertain Significance.